The following is an entry in ClinVar:

ClinVar aggregate classification (germline): Likely benign. Review status: criteria provided, multiple submitters, no conflicts (2 of 4 stars). 3 submissions from 3 submitters: Likely benign (3). Last evaluated 2025-06-07.

Conditions:
Idiopathic generalized epilepsy. Also called: EIG; Generalised epilepsy. Identifiers: MedGen C0270850, MONDO:0005579, OMIM 600669.
Hyperaldosteronism, familial, type IV (HALD4). Also called: FH IV; ALDOSTERONISM, PRIMARY, AND HYPERTENSION. Identifiers: Orphanet 642671, MedGen C4310756, MONDO:0014875, OMIM 617027.

Allele frequency attached by ClinVar (database versions not stated): ExAC 0.00014; 1000 Genomes Project 30x 0.00016; 1000 Genomes Project 0.00020; gnomAD 0.00003 and 0.00004; TOPMed 0.00003; gnomAD exomes 0.00005 and 0.00011; ESP Exome Variant Server 0.00008.
gnomAD v4.1: 87 of 1,612,484 alleles (0.0054%); highest among the groups gnomAD compares: Middle Eastern, 0.18%; 1 homozygote.

Submissions (3):

Labcorp Genetics (formerly Invitae), Labcorp
Classification: Likely benign for Idiopathic generalized epilepsy; Hyperaldosteronism, familial, type IV. Last evaluated: 2025-06-07. Review status: criteria provided, single submitter. Criteria: Invitae Variant Classification Sherloc (09022015). Collection method: clinical testing. Allele origin: germline.

Blueprint Genetics
Classification: Likely benign. Last evaluated: 2024-11-27. Review status: criteria provided, single submitter. Criteria: ACMG Guidelines, 2015. Collection method: clinical testing. Allele origin: germline.

CeGaT Center for Human Genetics Tuebingen
Classification: Likely benign. Last evaluated: 2022-10-01. Review status: criteria provided, single submitter. Criteria: CeGaT Center For Human Genetics Tuebingen Variant Classification Criteria Version 2. Collection method: clinical testing. Allele origin: germline. Affected: yes. Observed: 1 variant allele.
Comment: CACNA1H: BP4, BP7

NM_021098.3(CACNA1H):c.4365G>A (p.Lys1455=)

Gene: CACNA1H (calcium voltage-gated channel subunit alpha1 H; plus strand). Cytogenetic location: 16p13.3.
Variant type: single nucleotide variant.
Coding change: c.4365G>A on transcript NM_021098.3 (MANE Select); coding-DNA position 4365, G replaced by A.
Protein change: p.Lys1455=; no amino-acid change (lysine 1455 retained).
Molecular consequence: synonymous variant.
Genome position (GRCh38, 1-based): chr16:1,211,495, G>A. VCF-style: chr16-1211495-G-A. GRCh37 (hg19) VCF-style: chr16-1261495-G-A.
Other names: c.4365G>A, p.Lys1455= (NM_001005407.2).
Identifiers: ClinVar variation 460114 (VCV000460114.36), dbSNP rs373587418, ClinGen allele CA7801310.